The following is an entry in ClinVar:

ClinVar aggregate classification (germline): Pathogenic (1 of 4 stars; one submission).

Conditions:
Tuberous sclerosis 1 (TSC1). Identifiers: Orphanet 805, MedGen C1854465, MONDO:0008612, OMIM 191100.

Submission:

Labcorp Genetics (formerly Invitae), Labcorp
Classification: Pathogenic for Tuberous sclerosis 1. Last evaluated: 2024-11-12. Review status: criteria provided, single submitter. Criteria: Invitae Variant Classification Sherloc (09022015). Collection method: clinical testing. Allele origin: germline.
Comment: This sequence change creates a premature translational stop signal (p.Tyr508Serfs*24) in the TSC1 gene. It is expected to result in an absent or disrupted protein product. Loss-of-function variants in TSC1 are known to be pathogenic (PMID: 10227394, 17304050). This variant is not present in population databases (gnomAD no frequency). This variant has not been reported in the literature in individuals affected with TSC1-related conditions. For these reasons, this variant has been classified as Pathogenic.

Literature cited by the submitters: PubMed 10227394; PubMed 17304050.

NM_000368.5(TSC1):c.1523del (p.Tyr508fs)

Gene: TSC1 (TSC complex subunit 1; minus strand). Cytogenetic location: 9q34.13.
Variant type: Deletion.
Coding change: c.1523del on transcript NM_000368.5 (MANE Select); coding-DNA position 1523, one base deleted (A; older notation c.1523delA).
Protein change: p.Tyr508fs; shifts the reading frame from tyrosine 508.
Molecular consequence: frameshift variant. On other transcripts: non-coding transcript variant (5).
Genome position (GRCh38, 1-based): chr9:132,906,055, T deleted on the plus strand (A on the coding strand, the reverse complement: TSC1 is on the minus strand). VCF-style (leftmost placement, unchanged base first): chr9-132906054-GT-G. GRCh37 (hg19) VCF-style: chr9-135781441-GT-G.
Other names: c.1520del, p.Tyr507fs (NM_001162426.2, NM_001406597.1, NM_001406598.1 and 6 more transcripts); c.1370del, p.Tyr457fs (NM_001162427.2, NM_001406610.1); c.1160del, p.Tyr387fs (NM_001362177.2, NM_001406614.1, NM_001406615.1 and 5 more transcripts); c.1523del, p.Tyr508fs (NM_001406592.1, NM_001406593.1, NM_001406594.1 and 7 more transcripts); c.1367del, p.Tyr456fs (NM_001406611.1, NM_001406612.1, NM_001406613.1); c.1157del, p.Tyr386fs (NM_001406620.1, NM_001406621.1, NM_001406622.1 and 2 more transcripts); c.572del, p.Tyr191fs (NM_001406626.1); c.569del, p.Tyr190fs (NM_001406627.1, NM_001406628.1); and 1 more; short protein forms Y508fs, Y190fs, Y386fs, Y191fs, Y456fs, Y457fs, Y507fs, Y157fs.
Identifiers: ClinVar variation 3725070 (VCV003725070.2).